The following is an entry in ClinVar:

NM_032806.6(POMGNT2):c.1681C>T (p.Arg561Cys)

Gene: POMGNT2 (protein O-linked mannose N-acetylglucosaminyltransferase 2 (beta 1,4-); minus strand). Cytogenetic location: 3p22.1.
Variant type: single nucleotide variant.
Coding change: c.1681C>T on transcript NM_032806.6 (MANE Select); coding-DNA position 1681, C replaced by T.
Protein change: p.Arg561Cys; replaces arginine 561 with cysteine.
Molecular consequence: missense variant.
Genome position (GRCh38, 1-based): chr3:43,079,751, G>A on the plus strand (C>T on the coding strand, the complement: POMGNT2 is on the minus strand). VCF-style: chr3-43079751-G-A. GRCh37 (hg19) VCF-style: chr3-43121243-G-A.
Other names: c.1681C>T (NM_032806.4); short protein forms R561C.
Identifiers: ClinVar variation 1010449 (VCV001010449.10), dbSNP rs147477491, ClinGen allele CA2339809.

ClinVar aggregate classification (germline): Uncertain significance. Review status: criteria provided, multiple submitters, no conflicts (2 of 4 stars). 4 submissions from 4 submitters: Uncertain significance (4). Last evaluated 2025-08-04.

Conditions:
Muscular dystrophy-dystroglycanopathy (limb-girdle), type C, 8. Also called: MUSCULAR DYSTROPHY, LIMB-GIRDLE, AUTOSOMAL RECESSIVE 24; MUSCULAR DYSTROPHY-DYSTROGLYCANOPATHY, LIMB-GIRDLE, POMGNT2-RELATED. Identifiers: MedGen C4748320, MONDO:0029135, OMIM 618135.
Inborn genetic diseases. Identifiers: MedGen C0950123, MeSH D030342.
Muscular dystrophy-dystroglycanopathy (congenital with brain and eye anomalies), type a, 8 (MDDGA8). Also called: WALKER-WARBURG SYNDROME OR MUSCLE-EYE-BRAIN DISEASE, GTDC2-RELATED. Identifiers: Orphanet 899, MedGen C3553813, MONDO:0013904, OMIM 614830.

Allele frequency attached by ClinVar (database versions not stated): ExAC 0.00002; ESP Exome Variant Server 0.00008; gnomAD 0.00002 and 0.00003; gnomAD exomes 0.00001; TOPMed 0.00008.
gnomAD v4.1: 112 of 1,614,076 alleles (0.0069%); highest among the groups gnomAD compares: Non-Finnish European, 0.0089%; no homozygotes.

Submissions (4):

Labcorp Genetics (formerly Invitae), Labcorp
Classification: Uncertain significance for Muscular dystrophy-dystroglycanopathy (congenital with brain and eye anomalies), type a, 8. Last evaluated: 2025-08-04. Review status: criteria provided, single submitter. Criteria: Invitae Variant Classification Sherloc (09022015). Collection method: clinical testing. Allele origin: germline.
Comment: This sequence change replaces arginine, which is basic and polar, with cysteine, which is neutral and slightly polar, at codon 561 of the POMGNT2 protein (p.Arg561Cys). This variant is present in population databases (rs147477491, gnomAD 0.007%). This missense change has been observed in individual(s) with clinical features of POMGNT2-related conditions (PMID: 35131284). ClinVar contains an entry for this variant (Variation ID: 1010449). Invitae Evidence Modeling of protein sequence and biophysical properties (such as structural, functional, and spatial information, amino acid conservation, physicochemical variation, residue mobility, and thermodynamic stability) indicates that this missense variant is not expected to disrupt POMGNT2 protein function with a negative predictive value of 80%. In summary, the available evidence is currently insufficient to determine the role of this variant in disease. Therefore, it has been classified as a Variant of Uncertain Significance.

Genomic Medicine Center of Excellence, King Faisal Specialist Hospital and Research Centre
Classification: Uncertain significance for Muscular dystrophy-dystroglycanopathy (limb-girdle), type C, 8. Last evaluated: 2024-03-26. Review status: criteria provided, single submitter. Criteria: ACMG Guidelines, 2015. Collection method: clinical testing. Allele origin: germline.

GeneDx
Classification: Uncertain significance. Last evaluated: 2022-02-22. Review status: criteria provided, single submitter. Criteria: GeneDx Variant Classification Process June 2021. Collection method: clinical testing. Allele origin: germline. Affected: yes.
Comment: Not observed at significant frequency in large population cohorts (gnomAD); In silico analysis supports that this missense variant has a deleterious effect on protein structure/function; Has not been previously published as pathogenic or benign to our knowledge; This variant is associated with the following publications: (PMID: 35131284)

Ambry Genetics
Classification: Uncertain significance for Inborn genetic diseases. Last evaluated: 2021-08-02. Review status: criteria provided, single submitter. Criteria: Ambry Variant Classification Scheme 2023. Collection method: clinical testing. Allele origin: germline.

Literature cited by the submitters: PubMed 35131284 (cited by Labcorp Genetics (formerly Invitae), Labcorp).